The following is an entry in ClinVar:

NM_000392.5(ABCC2):c.1696G>A (p.Val566Ile)

Gene: ABCC2 (ATP binding cassette subfamily C member 2; plus strand). Cytogenetic location: 10q24.2.
Variant type: single nucleotide variant.
Coding change: c.1696G>A on transcript NM_000392.5 (MANE Select); coding-DNA position 1696, G replaced by A.
Protein change: p.Val566Ile; replaces valine 566 with isoleucine.
Molecular consequence: missense variant.
Genome position (GRCh38, 1-based): chr10:99,808,110, G>A. VCF-style: chr10-99808110-G-A. GRCh37 (hg19) VCF-style: chr10-101567867-G-A.
Other names: c.1696G>A (NM_000392.4, NM_000392.3); c.1696G>A, p.Val566Ile (LRG_1208t1); short protein forms V566I.
Identifiers: ClinVar variation 502280 (VCV000502280.8), dbSNP rs145520251, ClinGen allele CA5643261.

ClinVar aggregate classification (germline): Uncertain significance. Review status: criteria provided, multiple submitters, no conflicts (2 of 4 stars). 4 submissions from 4 submitters: Uncertain significance (4). Last evaluated 2025-01-31.

Conditions:
Dubin-Johnson syndrome (DJS). Also called: Hyperbilirubinemia type 2; HYPERBILIRUBINEMIA, DUBIN-JOHNSON TYPE; Jaundice, Chronic Idiopathic. Identifiers: Orphanet 234, MedGen C0022350, MONDO:0009380, OMIM 237500.
ABCC2-related disorder. Also called: ABCC2-related condition.
Inborn genetic diseases. Identifiers: MedGen C0950123, MeSH D030342.

Allele frequency attached by ClinVar (database versions not stated): gnomAD exomes 0.00002 and 0.00006; ExAC 0.00007; ESP Exome Variant Server 0.00015; gnomAD 0.00021 and 0.00022; TOPMed 0.00022; 1000 Genomes Project 0.00060; 1000 Genomes Project 30x 0.00062.
gnomAD v4.1: 60 of 1,614,082 alleles (0.0037%); highest among the groups gnomAD compares: African/African-American, 0.065%; no homozygotes.

Submissions (4):

PreventionGenetics, part of Exact Sciences
Classification: Uncertain significance for ABCC2-related condition. Last evaluated: 2025-01-31. Review status: criteria provided, single submitter. Criteria: ACMG Guidelines, 2015. Collection method: clinical testing. Allele origin: germline.
Comment: The ABCC2 c.1696G>A variant is predicted to result in the amino acid substitution p.Val566Ile. To our knowledge, this variant has not been reported in the literature. This variant is reported in 0.056% of alleles in individuals of African descent in gnomAD. Although we suspect that this variant may be benign, at this time, the clinical significance of this variant is uncertain due to the absence of conclusive functional and genetic evidence.

Ambry Genetics
Classification: Uncertain significance for Inborn genetic diseases. Last evaluated: 2025-01-23. Review status: criteria provided, single submitter. Criteria: Ambry Variant Classification Scheme 2023. Collection method: clinical testing. Allele origin: germline.

Fulgent Genetics
Classification: Uncertain significance for Dubin-Johnson syndrome. Last evaluated: 2021-09-09. Review status: criteria provided, single submitter. Criteria: ACMG Guidelines, 2015. Collection method: clinical testing. Allele origin: unknown.

Eurofins Ntd Llc (ga)
Classification: Uncertain significance. Last evaluated: 2018-06-20. Review status: criteria provided, single submitter. Criteria: EGL ClinVar v180209 classification definitions. Collection method: clinical testing. Allele origin: germline. Observed: 2 variant alleles, 2 heterozygotes.